The following is an entry in ClinVar:

ClinVar aggregate classification (germline): Likely benign. Review status: criteria provided, multiple submitters, no conflicts (2 of 4 stars). 2 submissions from 2 submitters: Likely benign (2). Last evaluated 2026-05-14.

Conditions:
Neurofibromatosis, type 1 (NF1). Also called: Neurofibromatosis, type I; NEUROFIBROMATOSIS, TYPE I, SOMATIC; VON RECKLINGHAUSEN DISEASE; Peripheral type neurofibromatosis. Identifiers: Orphanet 636, MedGen C0027831, MONDO:0018975, OMIM 162200. Disease mechanism: loss of function.

Allele frequency attached by ClinVar (database versions not stated): TOPMed 0.00001; gnomAD exomes below 0.00001.
gnomAD v4.1: 1 of 1,613,546 alleles (0.000062%); highest among the groups gnomAD compares: African/African-American, 0.0013%; no homozygotes.

Submissions (2):

Myriad Genetics, Inc.
Classification: Likely benign for Neurofibromatosis, type 1. Last evaluated: 2026-05-14. Review status: criteria provided, single submitter. Criteria: Myriad Autosomal Dominant, Autosomal Recessive and X-Linked Classification Criteria (2023). Collection method: clinical testing. Allele origin: unknown.
Comment: This variant is considered likely benign. This variant is intronic and is not expected to impact mRNA splicing.

Labcorp Genetics (formerly Invitae), Labcorp
Classification: Likely benign for Neurofibromatosis, type 1. Last evaluated: 2025-11-21. Review status: criteria provided, single submitter. Criteria: Invitae Variant Classification Sherloc (09022015). Collection method: clinical testing. Allele origin: germline.

NM_001042492.3(NF1):c.7739-20A>G

Gene: NF1 (neurofibromin 1; plus strand). Cytogenetic location: 17q11.2.
Variant type: single nucleotide variant.
Coding change: c.7739-20A>G on transcript NM_001042492.3 (MANE Select); 20 bases into the intron before coding-DNA position 7739, A replaced by G.
Molecular consequence: intron variant.
Genome position (GRCh38, 1-based): chr17:31,356,940, A>G. VCF-style: chr17-31356940-A-G. GRCh37 (hg19) VCF-style: chr17-29683958-A-G.
Other names: c.7676-20A>G (NM_000267.4).
Identifiers: ClinVar variation 2166151 (VCV002166151.5), dbSNP rs1217503991, ClinGen allele CA625475588.
Genomic context (GRCh38, chr17:31,356,940, plus strand): 5'-ATTTTAGAAGTAACATTGAAATAGTTAGGTGAAGTGATTATCCAGGTGTTTGATCACGTT[A>G]ATTCCCTATCTTGCTGCAGAAACTCAGAGGATTTCCTCATCACAACAGCACCCACATTTA-3'